The following is an entry in ClinVar:

NM_006005.3(WFS1):c.956T>G (p.Ile319Ser)

Gene: WFS1 (wolframin ER transmembrane glycoprotein; plus strand). Cytogenetic location: 4p16.1.
Variant type: single nucleotide variant.
Coding change: c.956T>G on transcript NM_006005.3 (MANE Select); coding-DNA position 956, T replaced by G.
Protein change: p.Ile319Ser; replaces isoleucine 319 with serine.
Molecular consequence: missense variant.
Genome position (GRCh38, 1-based): chr4:6,300,751, T>G. VCF-style: chr4-6300751-T-G. GRCh37 (hg19) VCF-style: chr4-6302478-T-G.
Other names: c.956T>G, p.Ile319Ser (NM_001145853.1); short protein forms I319S.
Identifiers: ClinVar variation 4853432 (VCV004853432.1).

ClinVar aggregate classification (germline): Uncertain significance (1 of 4 stars; one submission).

Submission:

Women's Health and Genetics/Laboratory Corporation of America, LabCorp
Classification: Uncertain significance. Last evaluated: 2026-05-27. Review status: criteria provided, single submitter. Criteria: LabCorp Variant Classification Summary - May 2015. Collection method: clinical testing. Allele origin: germline.
Comment: Variant summary: WFS1 c.956T>G (p.Ile319Ser) results in a non-conservative amino acid change in the encoded protein sequence. Algorithms developed to predict the effect of missense changes on protein structure and function are either unavailable or do not agree on the potential impact of this missense change. The variant was absent in 251478 control chromosomes. The available data on variant occurrences in the general population are insufficient to allow any conclusion about variant significance. To our knowledge, no occurrence of c.956T>G in individuals affected with WFS1-related conditions and no experimental evidence demonstrating its impact on protein function have been reported. No submitters have cited clinical-significance assessments for this variant to ClinVar. Based on the evidence outlined above, the variant was classified as uncertain significance.